The following is an entry in ClinVar:

NM_000062.3(SERPING1):c.550G>T (p.Gly184Trp)

Gene: SERPING1 (serpin family G member 1; plus strand). Cytogenetic location: 11q12.1.
Variant type: single nucleotide variant.
Coding change: c.550G>T on transcript NM_000062.3 (MANE Select); coding-DNA position 550, G replaced by T.
Protein change: p.Gly184Trp; replaces glycine 184 with tryptophan.
Molecular consequence: missense variant.
Genome position (GRCh38, 1-based): chr11:57,600,377, G>T. VCF-style: chr11-57600377-G-T. GRCh37 (hg19) VCF-style: chr11-57367850-G-T.
Other names: c.550G>T, p.Gly184Trp (NM_001032295.2); short protein forms G184W.
Identifiers: ClinVar variation 2137092 (VCV002137092.4), dbSNP rs281875170, ClinGen allele CA380695715.

ClinVar aggregate classification (germline): Pathogenic (1 of 4 stars; one submission).

Submission:

Labcorp Genetics (formerly Invitae), Labcorp
Classification: Pathogenic. Last evaluated: 2024-10-29. Review status: criteria provided, single submitter. Criteria: Invitae Variant Classification Sherloc (09022015). Collection method: clinical testing. Allele origin: germline.
Comment: This sequence change replaces glycine, which is neutral and non-polar, with tryptophan, which is neutral and slightly polar, at codon 184 of the SERPING1 protein (p.Gly184Trp). This variant also falls at the last nucleotide of exon 3, which is part of the consensus splice site for this exon. This variant is not present in population databases (gnomAD no frequency). This missense change has been observed in individuals with autosomal dominant hereditary angioedema (PMID: 28359783, 35821062). ClinVar contains an entry for this variant (Variation ID: 2137092). An algorithm developed to predict the effect of missense changes on protein structure and function (PolyPhen-2) suggests that this variant is likely to be disruptive. Variants that disrupt the consensus splice site are a relatively common cause of aberrant splicing (PMID: 17576681, 9536098). Studies have shown that this missense change alters mRNA splicing and is expected to lead to the loss of protein expression (PMID: 28359783). This variant disrupts the c.550G nucleotide in the SERPING1 gene. Other variant(s) that disrupt this nucleotide have been determined to be pathogenic (PMID: 18586324, 20804470, 21832835, 28359783, 30398465). This suggests that this nucleotide is clinically significant, and that variants that disrupt this position are likely to be disease-causing. For these reasons, this variant has been classified as Pathogenic.

Literature cited by the submitters: PubMed 28359783; PubMed 35821062; PubMed 17576681; PubMed 9536098; PubMed 18586324; PubMed 20804470; PubMed 21832835; PubMed 30398465.